The following is an entry in ClinVar:

ClinVar aggregate classification (germline): Uncertain significance. Review status: criteria provided, multiple submitters, no conflicts (2 of 4 stars). 3 submissions from 3 submitters: Uncertain significance (3). Last evaluated 2025-06-07.

Conditions:
Wilms tumor 1 (WT1). Also called: Wilms tumor, somatic. Identifiers: Orphanet 654, MedGen CN033288, MONDO:0008679, OMIM 194070.

Allele frequency attached by ClinVar (database versions not stated): ExAC 0.00011; ESP Exome Variant Server 0.00015; 1000 Genomes Project 30x 0.00016; gnomAD 0.00017; TOPMed 0.00017; 1000 Genomes Project 0.00020.
gnomAD v4.1: 124 of 1,613,896 alleles (0.0077%); highest among the groups gnomAD compares: African/African-American, 0.057%; no homozygotes.

Submissions (3):

Ambry Genetics
Classification: Uncertain significance. Last evaluated: 2025-06-07. Review status: criteria provided, single submitter. Criteria: Ambry Variant Classification Scheme 2023. Collection method: clinical testing. Allele origin: germline.

Labcorp Genetics (formerly Invitae), Labcorp
Classification: Uncertain significance. Last evaluated: 2024-09-16. Review status: criteria provided, single submitter. Criteria: Invitae Variant Classification Sherloc (09022015). Collection method: clinical testing. Allele origin: germline.
Comment: This sequence change replaces alanine, which is neutral and non-polar, with valine, which is neutral and non-polar, at codon 537 of the TRIM28 protein (p.Ala537Val). This variant is present in population databases (rs138616389, gnomAD 0.08%), and has an allele count higher than expected for a pathogenic variant. This variant has not been reported in the literature in individuals affected with TRIM28-related conditions. ClinVar contains an entry for this variant (Variation ID: 2465010). In summary, the available evidence is currently insufficient to determine the role of this variant in disease. Therefore, it has been classified as a Variant of Uncertain Significance.

St. Jude Molecular Pathology, St. Jude Children's Research Hospital
Classification: Uncertain significance for Wilms tumor 1. Last evaluated: 2023-04-20. Review status: criteria provided, single submitter. Criteria: St. Jude Assertion Criteria 2020. Collection method: clinical testing. Allele origin: germline.
Comment: The TRIM28 c.1610C>T (p.Ala537Val) missense change has a maximum subpopulation frequency of 0.077% in gnomAD v2.1.1. The in silico tool REVEL predicts a benign effect on protein function, but to our knowledge this prediction has not been confirmed by functional studies. To our knowledge, this variant has not been reported in individuals with a personal or family history of Wilms tumor. In summary, the evidence currently available is insufficient to determine the clinical significance of this variant. It has therefore been classified as of uncertain significance.

NM_005762.3(TRIM28):c.1610C>T (p.Ala537Val)

Gene: TRIM28 (tripartite motif containing 28; plus strand). Cytogenetic location: 19q13.43.
Variant type: single nucleotide variant.
Coding change: c.1610C>T on transcript NM_005762.3 (MANE Select); coding-DNA position 1610, C replaced by T.
Protein change: p.Ala537Val; replaces alanine 537 with valine.
Molecular consequence: missense variant.
Genome position (GRCh38, 1-based): chr19:58,549,188, C>T. VCF-style: chr19-58549188-C-T. GRCh37 (hg19) VCF-style: chr19-59060555-C-T.
Other names: short protein forms A537V.
Identifiers: ClinVar variation 2465010 (VCV002465010.6), dbSNP rs138616389, ClinGen allele CA9719318.